The following is an entry in ClinVar:

ClinVar aggregate classification (germline): Likely pathogenic. Review status: criteria provided, single submitter (1 of 4 stars). 2 submissions from 2 submitters: Likely pathogenic (1). 1 of the submissions does not count toward it. Last evaluated 2018-02-09.

Conditions:
Coffin-Lowry syndrome (CLS). Also called: Mental retardation with osteocartilaginous abnormalities; COFFIN-LOWRY SYNDROME, MILD. Identifiers: Orphanet 192, MedGen C0265252, MONDO:0010561, OMIM 303600.

Submissions (2):

Institute for Genomic Medicine (IGM) Clinical Laboratory, Nationwide Children's Hospital
Classification: Likely pathogenic for Coffin-Lowry syndrome. Last evaluated: 2018-02-09. Review status: criteria provided, single submitter. Criteria: ACMG Guidelines, 2015. Collection method: clinical testing. Allele origin: germline. Affected: yes.
Comment: [ACMG/AMP: PM1, PM2, PS4_Moderate, PP1, PP2, PP3] This alteration is located in a mutational hotspot and/or critical and well-established functional domain [PM1], is absent from or rarely observed in large-scale population databases [PM2], has previously been observed in multiple unrelated patients with the same phenotype [PS4_Moderate], has been shown to cosegregate with disease in multiple affected family members [PP1], is a missense variant in a gene in which missense variants are a common mechanism of disease [PP2], is predicted to be damaging by multiple functional prediction tools [PP3].

OMIM
Classification: Pathogenic for COFFIN-LOWRY SYNDROME. Last evaluated: 1999-01-01. Review status: no assertion criteria provided. Collection method: literature only. Allele origin: germline. Not counted in ClinVar's aggregate classification.

Literature cited by the submitters: PubMed 10094187 (cited by OMIM).

NM_004586.3(RPS6KA3):c.340C>T (p.Arg114Trp)

Gene: RPS6KA3 (ribosomal protein S6 kinase A3; minus strand). Cytogenetic location: Xp22.12.
Variant type: single nucleotide variant.
Coding change: c.340C>T on transcript NM_004586.3 (MANE Select); coding-DNA position 340, C replaced by T.
Protein change: p.Arg114Trp; replaces arginine 114 with tryptophan.
Molecular consequence: missense variant.
Genome position (GRCh38, 1-based): chrX:20,195,131, G>A on the plus strand (C>T on the coding strand, the complement: RPS6KA3 is on the minus strand). VCF-style: chrX-20195131-G-A. GRCh37 (hg19) VCF-style: chrX-20213249-G-A.
Other names: short protein forms R114W.
Identifiers: ClinVar variation 11655 (VCV000011655.8), dbSNP rs122454127, ClinGen allele CA255959.